The following is an entry in ClinVar:

ClinVar aggregate classification (germline): Uncertain significance. Review status: criteria provided, multiple submitters, no conflicts (2 of 4 stars). 2 submissions from 2 submitters: Uncertain significance (2). Last evaluated 2024-03-11.

Conditions:
Hereditary cancer-predisposing syndrome. Also called: Hereditary neoplastic syndrome; Neoplastic Syndromes, Hereditary; Tumor predisposition; Hereditary Cancer Syndrome. Identifiers: Orphanet 140162, MedGen C0027672, MeSH D009386, MONDO:0015356.
Fanconi anemia complementation group J. Also called: BRIP1-Related Fanconi Anemia. Identifiers: Orphanet 84, MedGen C1836860, MONDO:0012187, OMIM 609054.
Familial cancer of breast. Also called: BREAST CANCER, FAMILIAL; hereditary breast carcinoma; Hereditary breast cancer. Identifiers: Orphanet 227535, MedGen C0346153, MONDO:0016419, OMIM 114480. Disease mechanism: loss of function.

Submissions (2):

Color Diagnostics, LLC DBA Color Health
Classification: Uncertain significance for Hereditary cancer-predisposing syndrome. Last evaluated: 2024-03-11. Review status: criteria provided, single submitter. Criteria: ACMG Guidelines, 2015. Collection method: clinical testing. Allele origin: germline.
Comment: This missense variant replaces serine with alanine at codon 122 of the BRIP1 protein. Computational prediction suggests that this variant may not impact protein structure and function. To our knowledge, functional studies have not been reported for this variant. This variant has not been reported in individuals affected with hereditary cancer in the literature. This variant has not been identified in the general population by the Genome Aggregation Database (gnomAD). The available evidence is insufficient to determine the role of this variant in disease conclusively. Therefore, this variant is classified as a Variant of Uncertain Significance.

Labcorp Genetics (formerly Invitae), Labcorp
Classification: Uncertain significance for Familial cancer of breast; Fanconi anemia complementation group J. Last evaluated: 2023-06-17. Review status: criteria provided, single submitter. Criteria: Invitae Variant Classification Sherloc (09022015). Collection method: clinical testing. Allele origin: germline.
Comment: This variant is not present in population databases (gnomAD no frequency). In summary, the available evidence is currently insufficient to determine the role of this variant in disease. Therefore, it has been classified as a Variant of Uncertain Significance. Advanced modeling of protein sequence and biophysical properties (such as structural, functional, and spatial information, amino acid conservation, physicochemical variation, residue mobility, and thermodynamic stability) performed at Invitae indicates that this missense variant is not expected to disrupt BRIP1 protein function. ClinVar contains an entry for this variant (Variation ID: 461160). This variant has not been reported in the literature in individuals affected with BRIP1-related conditions. This sequence change replaces serine, which is neutral and polar, with alanine, which is neutral and non-polar, at codon 122 of the BRIP1 protein (p.Ser122Ala).

NM_032043.3(BRIP1):c.364T>G (p.Ser122Ala)

Gene: BRIP1 (BRCA1 interacting DNA helicase 1; minus strand). Cytogenetic location: 17q23.2.
Variant type: single nucleotide variant.
Coding change: c.364T>G on transcript NM_032043.3 (MANE Select); coding-DNA position 364, T replaced by G.
Protein change: p.Ser122Ala; replaces serine 122 with alanine.
Molecular consequence: missense variant.
Genome position (GRCh38, 1-based): chr17:61,857,073, A>C on the plus strand (T>G on the coding strand, the complement: BRIP1 is on the minus strand). VCF-style: chr17-61857073-A-C. GRCh37 (hg19) VCF-style: chr17-59934434-A-C.
Other names: short protein forms S122A.
Identifiers: ClinVar variation 461160 (VCV000461160.11), dbSNP rs1555617788, ClinGen allele CA400485291.